The following is an entry in ClinVar:

ClinVar aggregate classification (germline): Likely benign (1 of 4 stars; one submission).

Conditions:
TJP2-related disorder. Also called: TJP2-related condition.

Submission:

PreventionGenetics, part of Exact Sciences
Classification: Likely benign for TJP2-related condition. Last evaluated: 2024-12-12. Review status: criteria provided, single submitter. Criteria: ACMG Guidelines, 2015. Collection method: clinical testing. Allele origin: germline.
Comment: This variant is classified as likely benign based on ACMG/AMP sequence variant interpretation guidelines (Richards et al. 2015 PMID: 25741868, with internal and published modifications).

NM_004817.4(TJP2):c.1780+9A>G

Gene: TJP2 (tight junction protein 2; plus strand). Cytogenetic location: 9q21.11.
Variant type: single nucleotide variant.
Coding change: c.1780+9A>G on transcript NM_004817.4 (MANE Select); 9 bases into the intron after coding-DNA position 1780, A replaced by G.
Molecular consequence: intron variant.
Genome position (GRCh38, 1-based): chr9:69,234,556, A>G. VCF-style: chr9-69234556-A-G. GRCh37 (hg19) VCF-style: chr9-71849472-A-G.
Other names: c.1711+9A>G (NM_001170414.2, NM_001369871.1); c.1705+9A>G (NM_001369870.1); c.1780+9A>G (NM_201629.3, NM_001369872.1, NM_001369873.1); c.1792+9A>G (NM_001170415.1, NM_001369875.1, NM_001369874.1); c.1873+9A>G (NM_001170416.2).
Identifiers: ClinVar variation 4982423 (VCV004982423.1).